The following is an entry in ClinVar:

ClinVar aggregate classification (germline): Uncertain significance (1 of 4 stars; one submission).

Submission:

Labcorp Genetics (formerly Invitae), Labcorp
Classification: Uncertain significance. Last evaluated: 2024-12-16. Review status: criteria provided, single submitter. Criteria: Invitae Variant Classification Sherloc (09022015). Collection method: clinical testing. Allele origin: germline.
Comment: This sequence change replaces arginine, which is basic and polar, with glycine, which is neutral and non-polar, at codon 899 of the OGT protein (p.Arg899Gly). This variant is not present in population databases (gnomAD no frequency). This variant has not been reported in the literature in individuals affected with OGT-related conditions. Invitae Evidence Modeling of protein sequence and biophysical properties (such as structural, functional, and spatial information, amino acid conservation, physicochemical variation, residue mobility, and thermodynamic stability) indicates that this missense variant is not expected to disrupt OGT protein function with a negative predictive value of 80%. In summary, the available evidence is currently insufficient to determine the role of this variant in disease. Therefore, it has been classified as a Variant of Uncertain Significance.

NM_181672.3(OGT):c.2695C>G (p.Arg899Gly)

Gene: OGT (O-linked N-acetylglucosamine (GlcNAc) transferase; plus strand). Cytogenetic location: Xq13.1.
Variant type: single nucleotide variant.
Coding change: c.2695C>G on transcript NM_181672.3 (MANE Select); coding-DNA position 2695, C replaced by G.
Protein change: p.Arg899Gly; replaces arginine 899 with glycine.
Molecular consequence: missense variant.
Genome position (GRCh38, 1-based): chrX:71,567,605, C>G. VCF-style: chrX-71567605-C-G. GRCh37 (hg19) VCF-style: chrX-70787455-C-G.
Other names: c.2665C>G, p.Arg889Gly (NM_181673.3); short protein forms R889G, R899G.
Identifiers: ClinVar variation 3662885 (VCV003662885.2).